The following is an entry in ClinVar:

NM_021975.4(RELA):c.1033+77C>T

Gene: RELA (RELA proto-oncogene, NF-kB subunit; minus strand). Cytogenetic location: 11q13.1.
Variant type: single nucleotide variant.
Coding change: c.1033+77C>T on transcript NM_021975.4 (MANE Select); 77 bases into the intron after coding-DNA position 1033, C replaced by T.
Molecular consequence: intron variant.
Genome position (GRCh38, 1-based): chr11:65,655,611, G>A on the plus strand (C>T on the coding strand, the complement: RELA is on the minus strand). VCF-style: chr11-65655611-G-A. GRCh37 (hg19) VCF-style: chr11-65423082-G-A.
Other names: c.940+77C>T (NM_001404662.1, NM_001404663.1); c.1006+77C>T (NM_001404658.1); c.652+77C>T (NM_001404661.1); c.1024+77C>T (NM_001145138.2); c.715+77C>T (NM_001404660.1); c.820+77C>T (NM_001404659.1); c.1033+77C>T (NM_001243984.2, NM_001243985.2); c.1066+77C>T (NM_001404657.1).
Identifiers: ClinVar variation 2687971 (VCV002687971.2), dbSNP rs1144792, ClinGen allele CA6106679.

ClinVar aggregate classification (germline): Benign (1 of 4 stars; one submission).

Allele frequency attached by ClinVar (database versions not stated): TOPMed 0.99349; 1000 Genomes Project 30x 0.99453; gnomAD 0.99460; 1000 Genomes Project 0.99481; ExAC 0.99798.
gnomAD v4.1: 1,401,679 of 1,403,316 alleles (100%); highest among the groups gnomAD compares: East Asian, 100%; 700,042 homozygotes.

Submission:

Unidad de Genómica Garrahan, Hospital de Pediatría Garrahan
Classification: Benign. Last evaluated: 2024-01-24. Review status: criteria provided, single submitter. Criteria: ACMG Guidelines, 2015. Collection method: clinical testing. Allele origin: germline. Affected: no. Observed: 95 variant alleles.
Comment: This variant is classified as Benign based on local population frequency. This variant was detected in 100% of patients studied by a panel of primary immunodeficiencies. Number of patients: 95. Only high quality variants are reported.